The following is an entry in ClinVar:

ClinVar aggregate classification (germline): Uncertain significance (1 of 4 stars; one submission).

Submission:

Dasa
Classification: Uncertain significance. Last evaluated: 2026-07-03. Review status: criteria provided, single submitter. Criteria: DASA Assertion Criteria. Collection method: clinical testing. Allele origin: germline.
Comment: NM_003470.3(USP7):c.1921G>A (p.Glu641Lys) is a missense variant that results in the substitution of glutamic acid with lysine. This variant is rare in population databases. The currently available literature and clinical evidence are not sufficient to establish a definitive association between this variant and the reported condition. Therefore, this variant is classified as a variant of uncertain significance.

NM_003470.3(USP7):c.1921G>A (p.Glu641Lys)

Gene: USP7 (ubiquitin specific peptidase 7; minus strand). Cytogenetic location: 16p13.2.
Variant type: single nucleotide variant.
Coding change: c.1921G>A on transcript NM_003470.3 (MANE Select); coding-DNA position 1921, G replaced by A.
Protein change: p.Glu641Lys; replaces glutamic acid 641 with lysine.
Molecular consequence: missense variant. On other transcripts: non-coding transcript variant (1).
Genome position (GRCh38, 1-based): chr16:8,902,401, C>T on the plus strand (G>A on the coding strand, the complement: USP7 is on the minus strand). VCF-style: chr16-8902401-C-T. GRCh37 (hg19) VCF-style: chr16-8996258-C-T.
Other names: c.1873G>A, p.Glu625Lys (NM_001286457.2); c.1624G>A, p.Glu542Lys (NM_001286458.2); c.1747G>A, p.Glu583Lys (NM_001321858.2); short protein forms E542K, E583K, E625K, E641K.
Identifiers: ClinVar variation 5020266 (VCV005020266.1).
Genomic context (GRCh38, chr16:8,902,401, plus strand): 5'-TGCACGGTTCCAAACCAGATACGCTATTAACAATATTTACTGTTTTATTGCCGTCGGCTT[C>T]ATTATCTAACATTGCTGGTCGTTTTGTTCCATTACTCCTTGCTTGCATGGGCCACAATCG-3'
Protein context (NP_003461.2, residues 631-651): GTKRPAMLDN[Glu641Lys]ADGNKTMIEL